The following is an entry in ClinVar:

NM_000875.5(IGF1R):c.3448A>G (p.Lys1150Glu)

Gene: IGF1R (insulin like growth factor 1 receptor; plus strand). Cytogenetic location: 15q26.3.
Variant type: single nucleotide variant.
Coding change: c.3448A>G on transcript NM_000875.5 (MANE Select); coding-DNA position 3448, A replaced by G.
Protein change: p.Lys1150Glu; replaces lysine 1150 with glutamic acid.
Molecular consequence: missense variant.
Genome position (GRCh38, 1-based): chr15:98,939,351, A>G. VCF-style: chr15-98939351-A-G. GRCh37 (hg19) VCF-style: chr15-99482580-A-G.
Other names: c.3445A>G, p.Lys1149Glu (NM_001291858.2); short protein forms K1149E, K1150E.
Identifiers: ClinVar variation 3602837 (VCV003602837.1).
Genomic context (GRCh38, chr15:98,939,351, plus strand): 5'-AAGTTCGTCCACAGAGACCTTGCTGCCCGGAATTGCATGGTAGCCGAAGATTTCACAGTC[A>G]AAATCGGAGGTGTGTCCTTAGCTTTCCAGGTCTGGGCAAGAACTAAACTCAGGTGTTTTG-3'
Protein context (NP_000866.1, residues 1140-1160): NCMVAEDFTV[Lys1150Glu]IGDFGMTRDI

ClinVar aggregate classification (germline): Uncertain significance (1 of 4 stars; one submission).

Submission:

GeneDx
Classification: Uncertain significance. Last evaluated: 2024-08-10. Review status: criteria provided, single submitter. Criteria: GeneDx Variant Classification Process June 2021. Collection method: clinical testing. Allele origin: germline. Affected: yes.
Comment: Not observed at significant frequency in large population cohorts (gnomAD); In silico analysis supports that this missense variant has a deleterious effect on protein structure/function; Has not been previously published as pathogenic or benign to our knowledge